The following is an entry in ClinVar:

NM_006415.4(SPTLC1):c.1403C>T (p.Ala468Val)

Gene: SPTLC1 (serine palmitoyltransferase long chain base subunit 1; minus strand). Cytogenetic location: 9q22.31.
Variant type: single nucleotide variant.
Coding change: c.1403C>T on transcript NM_006415.4 (MANE Select); coding-DNA position 1403, C replaced by T.
Protein change: p.Ala468Val; replaces alanine 468 with valine.
Molecular consequence: missense variant. On other transcripts: synonymous variant (1).
Genome position (GRCh38, 1-based): chr9:92,032,484, G>A on the plus strand (C>T on the coding strand, the complement: SPTLC1 is on the minus strand). VCF-style: chr9-92032484-G-A. GRCh37 (hg19) VCF-style: chr9-94794766-G-A.
Other names: c.1371C>T, p.Ser457= (NM_001281303.2); c.1037C>T, p.Ala346Val (NM_001368272.1); c.938C>T, p.Ala313Val (NM_001368273.1); short protein forms A346V, A468V, A313V.
Identifiers: ClinVar variation 1972389 (VCV001972389.5), dbSNP rs141303429, ClinGen allele CA5121187.

ClinVar aggregate classification (germline): Uncertain significance (1 of 4 stars; one submission).

Conditions:
Hereditary sensory and autonomic neuropathy type 1 (HSAN1). Also called: HSAN 1; HSN Type I; Hereditary Sensory Neuropathy Type I. Identifiers: Orphanet 36386, MedGen C0020071, MONDO:0018213.

Allele frequency attached by ClinVar (database versions not stated): TOPMed below 0.00001; gnomAD 0.00001; gnomAD exomes below 0.00001; ESP Exome Variant Server 0.00008; ExAC 0.00002.

Submission:

Labcorp Genetics (formerly Invitae), Labcorp
Classification: Uncertain significance for Hereditary sensory and autonomic neuropathy type 1. Last evaluated: 2021-12-02. Review status: criteria provided, single submitter. Criteria: Invitae Variant Classification Sherloc (09022015). Collection method: clinical testing. Allele origin: germline.
Comment: This variant has not been reported in the literature in individuals affected with SPTLC1-related conditions. This variant is present in population databases (rs141303429, gnomAD 0.0009%). This sequence change replaces alanine, which is neutral and non-polar, with valine, which is neutral and non-polar, at codon 468 of the SPTLC1 protein (p.Ala468Val). In summary, the available evidence is currently insufficient to determine the role of this variant in disease. Therefore, it has been classified as a Variant of Uncertain Significance. Advanced modeling of protein sequence and biophysical properties (such as structural, functional, and spatial information, amino acid conservation, physicochemical variation, residue mobility, and thermodynamic stability) performed at Invitae indicates that this missense variant is expected to disrupt SPTLC1 protein function.